The following is an entry in ClinVar:

NM_022124.6(CDH23):c.474C>A (p.Asp158Glu)

Gene: CDH23 (cadherin related 23; plus strand). Cytogenetic location: 10q22.1.
Variant type: single nucleotide variant.
Coding change: c.474C>A on transcript NM_022124.6 (MANE Select); coding-DNA position 474, C replaced by A.
Protein change: p.Asp158Glu; replaces aspartic acid 158 with glutamic acid.
Molecular consequence: missense variant.
Genome position (GRCh38, 1-based): chr10:71,566,786, C>A. VCF-style: chr10-71566786-C-A. GRCh37 (hg19) VCF-style: chr10-73326543-C-A.
Other names: c.474C>A, p.Asp158Glu (NM_001171930.2, NM_001171931.2, NM_001171932.2 and 1 more transcripts); short protein forms D158E.
Identifiers: ClinVar variation 2501543 (VCV002501543.5), dbSNP rs746426641, ClinGen allele CA5543451.
Genomic context (GRCh38, chr10:71,566,786, plus strand): 5'-TTGCTCTCATCCCCAGAATACACCAGTGGGGACGCCCATCTTCATCGTGAATGCCACAGA[C>A]CCCGACTTGGGGGCAGGGGGCAGCGTCCTCTACTCCTTCCAGCCCCCCTCCCAATTCTTC-3'
Protein context (NP_071407.4, residues 148-168): GTPIFIVNAT[Asp158Glu]PDLGAGGSVL

ClinVar aggregate classification (germline): Uncertain significance. Review status: criteria provided, multiple submitters, no conflicts (2 of 4 stars). 2 submissions from 2 submitters: Uncertain significance (2). Last evaluated 2025-09-27.

Conditions:
Inborn genetic diseases. Identifiers: MedGen C0950123, MeSH D030342.

Allele frequency attached by ClinVar (database versions not stated): gnomAD 0.00001; ExAC 0.00001; gnomAD exomes below 0.00001.
gnomAD v4.1: 3 of 1,612,408 alleles (0.00019%); highest among the groups gnomAD compares: African/African-American, 0.0013%; no homozygotes.

Submissions (2):

Ambry Genetics
Classification: Uncertain significance for Inborn genetic diseases. Last evaluated: 2025-09-27. Review status: criteria provided, single submitter. Criteria: Ambry Variant Classification Scheme 2023. Collection method: clinical testing. Allele origin: germline.

GeneDx
Classification: Uncertain significance. Last evaluated: 2024-01-12. Review status: criteria provided, single submitter. Criteria: GeneDx Variant Classification Process June 2021. Collection method: clinical testing. Allele origin: germline. Affected: yes.
Comment: Not observed at significant frequency in large population cohorts (gnomAD); In silico analysis supports that this missense variant has a deleterious effect on protein structure/function; Has not been previously published as pathogenic or benign to our knowledge